The following is an entry in ClinVar:

NM_024577.4(SH3TC2):c.1204G>A (p.Val402Ile)

Gene: SH3TC2 (SH3 domain and tetratricopeptide repeats 2; minus strand). Cytogenetic location: 5q32.
Variant type: single nucleotide variant.
Coding change: c.1204G>A on transcript NM_024577.4 (MANE Select); coding-DNA position 1204, G replaced by A.
Protein change: p.Val402Ile; replaces valine 402 with isoleucine.
Molecular consequence: missense variant.
Genome position (GRCh38, 1-based): chr5:149,028,528, C>T on the plus strand (G>A on the coding strand, the complement: SH3TC2 is on the minus strand). VCF-style: chr5-149028528-C-T. GRCh37 (hg19) VCF-style: chr5-148408091-C-T.
Other names: short protein forms V402I.
Identifiers: ClinVar variation 1748416 (VCV001748416.2), dbSNP rs549821020, ClinGen allele CA3499232.

ClinVar aggregate classification (germline): Uncertain significance (1 of 4 stars; one submission).

Conditions:
Inborn genetic diseases. Identifiers: MedGen C0950123, MeSH D030342.

gnomAD v4.1: 2 of 1,613,990 alleles (0.00012%); highest among the groups gnomAD compares: Middle Eastern, 0.016%; no homozygotes.

Submission:

Ambry Genetics
Classification: Uncertain significance for Inborn genetic diseases. Last evaluated: 2020-06-10. Review status: criteria provided, single submitter. Criteria: Ambry Variant Classification Scheme 2023. Collection method: clinical testing. Allele origin: germline.
Comment: The p.V402I variant (also known as c.1204G>A), located in coding exon 11 of the SH3TC2 gene, results from a G to A substitution at nucleotide position 1204. The valine at codon 402 is replaced by isoleucine, an amino acid with highly similar properties. This amino acid position is poorly conserved in available vertebrate species. In addition, this alteration is predicted to be tolerated by in silico analysis. Since supporting evidence is limited at this time, the clinical significance of this alteration remains unclear.